The following is an entry in ClinVar:

NM_003000.3(SDHB):c.743_765+36del

Gene: SDHB (succinate dehydrogenase complex iron sulfur subunit B; minus strand). Cytogenetic location: 1p36.13.
Variant type: Deletion.
Coding change: c.743_765+36del on transcript NM_003000.3 (MANE Select); coding-DNA position 743 through 36 bases into the intron after coding-DNA position 765, 59 bases deleted.
Molecular consequence: splice donor variant.
Genome position (GRCh38, 1-based): chr1:17,022,572-17,022,630, 59 bases deleted. GRCh37 (hg19): chr1:17,349,069-17,349,127.
Other names: c.743_765+36del59 (NM_003000.2).
Identifiers: ClinVar variation 1452759 (VCV001452759.7), dbSNP rs2101513438, ClinGen allele CA2573130756.

ClinVar aggregate classification (germline): Pathogenic/Likely pathogenic. Review status: criteria provided, multiple submitters, no conflicts (2 of 4 stars). 2 submissions from 2 submitters: Pathogenic (1); Likely pathogenic (1). Last evaluated 2026-06-30.

Conditions:
Pheochromocytoma/paraganglioma syndrome 4. Also called: SDHB-Related Hereditary Paraganglioma-Pheochromocytoma Syndrome (Paragangliomas 4); SDHB-Related Hereditary Paraganglioma-Pheochromocytoma Syndrome; CAROTID BODY TUMORS AND MULTIPLE EXTRAADRENAL PHEOCHROMOCYTOMAS; PARAGANGLIOMA, FAMILIAL MALIGNANT; PARAGANGLIOMAS, HEREDITARY EXTRAADRENAL; PHEOCHROMOCYTOMA, FAMILIAL EXTRAADRENAL. Identifiers: Orphanet 29072, MedGen C1861848, MONDO:0007273, OMIM 115310.
Pheochromocytoma. Also called: MAX-Related Hereditary Paraganglioma-Pheochromocytoma Syndrome. Identifiers: Orphanet 29072, MedGen C0031511, MONDO:0008233, OMIM 171300, HP:0002666.
Gastrointestinal stromal tumor. Also called: Gastrointestinal stromal tumor, somatic; Gastrointestinal stroma tumor. Identifiers: Orphanet 44890, MedGen C0238198, MeSH D046152, MONDO:0011719, OMIM 606764, HP:0100723.
Hereditary cancer-predisposing syndrome. Also called: Hereditary Cancer Syndrome; Tumor predisposition; Neoplastic Syndromes, Hereditary; Hereditary neoplastic syndrome. Identifiers: Orphanet 140162, MedGen C0027672, MeSH D009386, MONDO:0015356.

Submissions (2):

Ambry Genetics
Classification: Likely pathogenic for Hereditary cancer-predisposing syndrome. Last evaluated: 2026-06-30. Review status: criteria provided, single submitter. Criteria: Ambry Variant Classification Scheme 2023. Collection method: clinical testing. Allele origin: germline.
Comment: The c.743_765+36del59 variant results from a deletion of 59 nucleotides between positions c.743 and c.765+36 and involves the canonical splice donor site after coding exon 7 of the SDHB gene. This variant was reported in at least one individual with features consistent with paraganglioma or pheochromocytoma (Ambry internal data). The canonical splice donor site is highly conserved in available vertebrate species. In silico splice site analysis predicts that this alteration will weaken the native splice donor site, and will result in the creation or strengthening of a novel splice donor site. RNA studies have demonstrated that this variant results in abnormal splicing in the set of samples tested (Ambry internal data). The resulting transcripts are not expected to trigger nonsense-mediated mRNA decay; however a significant portion of the protein is impacted and the region impacted is critical for protein function (Ambry internal data). Based on the majority of available evidence to date, this variant is likely to be pathogenic.

Labcorp Genetics (formerly Invitae), Labcorp
Classification: Pathogenic for Gastrointestinal stromal tumor; Pheochromocytoma/paraganglioma syndrome 4; Pheochromocytoma. Last evaluated: 2022-11-23. Review status: criteria provided, single submitter. Criteria: Invitae Variant Classification Sherloc (09022015). Collection method: clinical testing. Allele origin: germline.
Comment: For these reasons, this variant has been classified as Pathogenic. This variant disrupts a region of the SDHB protein in which other variant(s) (p.Lys261Glufs*14) have been determined to be pathogenic (Invitae). This suggests that this is a clinically significant region of the protein, and that variants that disrupt it are likely to be disease-causing. Variants that disrupt the consensus splice site are a relatively common cause of aberrant splicing (PMID: 17576681, 9536098). Algorithms developed to predict the effect of sequence changes on RNA splicing suggest that this variant may disrupt the consensus splice site. ClinVar contains an entry for this variant (Variation ID: 1452759). This variant has not been reported in the literature in individuals affected with SDHB-related conditions. This variant is not present in population databases (gnomAD no frequency). This variant results in the deletion of part of exon 7 of the SDHB gene. While this variant is not anticipated to result in nonsense mediated decay, it likely alters RNA splicing and results in a disrupted protein product.

Literature cited by the submitters: PubMed 17576681 (cited by Labcorp Genetics (formerly Invitae), Labcorp); PubMed 9536098 (cited by Labcorp Genetics (formerly Invitae), Labcorp).